The following is an entry in ClinVar:

NM_000465.4(BARD1):c.1188T>C (p.Pro396=)

Gene: BARD1 (BRCA1 associated RING domain 1; minus strand). Cytogenetic location: 2q35.
Variant type: single nucleotide variant.
Coding change: c.1188T>C on transcript NM_000465.4 (MANE Select); coding-DNA position 1188, T replaced by C.
Protein change: p.Pro396=; no amino-acid change (proline 396 retained).
Molecular consequence: synonymous variant. On other transcripts: non-coding transcript variant (2), intron variant (3).
Genome position (GRCh38, 1-based): chr2:214,780,686, A>G on the plus strand (T>C on the coding strand, the complement: BARD1 is on the minus strand). VCF-style: chr2-214780686-A-G. GRCh37 (hg19) VCF-style: chr2-215645410-A-G.
Other names: c.1131T>C, p.Pro377= (NM_001282543.2); c.159-28131T>C (NM_001282548.2); c.215+16375T>C (NM_001282545.2); c.364+11611T>C (NM_001282549.2).
Identifiers: ClinVar variation 230311 (VCV000230311.17), dbSNP rs876658498, ClinGen allele CA10577820.
Genomic context (GRCh38, chr2:214,780,686, plus strand): 5'-CAGCTTCATTGCTGAGGGACTAGACATCACTCGCCTGTAACTTGAACTACTTAATGTAGA[A>G]GGTGGTGTACCTGGTGAAAGACTAATGAATTCATCGGACATGTTACTGTTTTTCCTCCCT-3'
Protein context (NP_000456.2, residues 386-406): EFISLSPGTP[Pro396=]STLSSSSYRR

ClinVar aggregate classification (germline): Benign/Likely benign. Review status: criteria provided, multiple submitters, no conflicts (2 of 4 stars). 4 submissions from 4 submitters: Benign (1); Likely benign (3). Last evaluated 2025-11-13.

Conditions:
Hereditary cancer-predisposing syndrome. Also called: Hereditary neoplastic syndrome; Hereditary Cancer Syndrome; Neoplastic Syndromes, Hereditary; Tumor predisposition. Identifiers: Orphanet 140162, MedGen C0027672, MeSH D009386, MONDO:0015356.
Familial cancer of breast. Also called: Hereditary breast cancer; BREAST CANCER, FAMILIAL; hereditary breast carcinoma. Identifiers: Orphanet 227535, MedGen C0346153, MONDO:0016419, OMIM 114480. Disease mechanism: loss of function.

Submissions (4):

Labcorp Genetics (formerly Invitae), Labcorp
Classification: Likely benign for Familial cancer of breast. Last evaluated: 2025-11-13. Review status: criteria provided, single submitter. Criteria: Invitae Variant Classification Sherloc (09022015). Collection method: clinical testing. Allele origin: germline.

Myriad Genetics, Inc.
Classification: Benign for Familial cancer of breast. Last evaluated: 2024-07-24. Review status: criteria provided, single submitter. Criteria: Myriad Autosomal Dominant, Autosomal Recessive and X-Linked Classification Criteria (2023). Collection method: clinical testing. Allele origin: unknown.
Comment: This variant is considered benign. This variant is a silent/synonymous amino acid change and it is not expected to impact splicing.

Color Diagnostics, LLC DBA Color Health
Classification: Likely benign for Hereditary cancer-predisposing syndrome. Last evaluated: 2019-06-18. Review status: criteria provided, single submitter. Criteria: ACMG Guidelines, 2015. Collection method: clinical testing. Allele origin: germline.

Ambry Genetics
Classification: Likely benign for Hereditary cancer-predisposing syndrome. Last evaluated: 2015-02-17. Review status: criteria provided, single submitter. Criteria: Ambry Variant Classification Scheme 2023. Collection method: clinical testing. Allele origin: germline.